The following is an entry in ClinVar:

NM_002850.4(PTPRS):c.4866G>A (p.Thr1622=)

Gene: PTPRS (protein tyrosine phosphatase receptor type S; minus strand). Cytogenetic location: 19p13.3.
Variant type: single nucleotide variant.
Coding change: c.4866G>A on transcript NM_002850.4 (MANE Select); coding-DNA position 4866, G replaced by A.
Protein change: p.Thr1622=; no amino-acid change (threonine 1622 retained).
Molecular consequence: synonymous variant.
Genome position (GRCh38, 1-based): chr19:5,212,154, C>T on the plus strand (G>A on the coding strand, the complement: PTPRS is on the minus strand). VCF-style: chr19-5212154-C-T. GRCh37 (hg19) VCF-style: chr19-5212165-C-T.
Other names: c.4800G>A, p.Thr1600= (NM_001394011.1); c.4779G>A, p.Thr1593= (NM_001394012.1); c.4740G>A, p.Thr1580= (NM_001394013.1); c.3525G>A, p.Thr1175= (NM_130853.3); c.4752G>A, p.Thr1584= (NM_130854.3); c.3537G>A, p.Thr1179= (NM_130855.3); c.4866G>A (NM_002850.3).
Identifiers: ClinVar variation 2649109 (VCV002649109.25), dbSNP rs115759427, ClinGen allele CA9108950.

ClinVar aggregate classification (germline): Likely benign. Review status: criteria provided, single submitter (1 of 4 stars). 2 submissions from 2 submitters: Likely benign (1). 1 of the submissions does not count toward it. Last evaluated 2022-11-01.

Conditions:
PTPRS-related disorder. Also called: PTPRS-related condition.

Allele frequency attached by ClinVar (database versions not stated): ExAC 0.00015; ESP Exome Variant Server 0.00015; TOPMed 0.00039; gnomAD 0.00040; 1000 Genomes Project 30x 0.00047; 1000 Genomes Project 0.00060.
gnomAD v4.1: 328 of 1,614,072 alleles (0.02%); highest among the groups gnomAD compares: African/African-American, 0.13%; no homozygotes.

Submissions (2):

CeGaT Center for Human Genetics Tuebingen
Classification: Likely benign. Last evaluated: 2022-11-01. Review status: criteria provided, single submitter. Criteria: CeGaT Center For Human Genetics Tuebingen Variant Classification Criteria Version 2. Collection method: clinical testing. Allele origin: germline. Affected: yes. Observed: 1 variant allele.
Comment: PTPRS: BP4, BP7

PreventionGenetics, part of Exact Sciences
Classification: Likely benign for PTPRS-related condition. Last evaluated: 2021-02-16. Review status: no assertion criteria provided. Collection method: clinical testing. Allele origin: germline. Not counted in ClinVar's aggregate classification.
Comment: This variant is classified as likely benign based on ACMG/AMP sequence variant interpretation guidelines (Richards et al. 2015 PMID: 25741868, with internal and published modifications).